The following is an entry in ClinVar:

NM_021625.5(TRPV4):c.2396C>A (p.Pro799Gln)

Gene: TRPV4 (transient receptor potential cation channel subfamily V member 4; minus strand). Cytogenetic location: 12q24.11.
Variant type: single nucleotide variant.
Coding change: c.2396C>A on transcript NM_021625.5 (MANE Select); coding-DNA position 2396, C replaced by A.
Protein change: p.Pro799Gln; replaces proline 799 with glutamine.
Molecular consequence: missense variant.
Genome position (GRCh38, 1-based): chr12:109,784,378, G>T on the plus strand (C>A on the coding strand, the complement: TRPV4 is on the minus strand). VCF-style: chr12-109784378-G-T. GRCh37 (hg19) VCF-style: chr12-110222183-G-T.
Other names: c.2075C>A, p.Pro692Gln (NM_001177433.2); c.2216C>A, p.Pro739Gln (NM_147204.3); c.2255C>A, p.Pro752Gln (NM_001177428.2); c.2294C>A, p.Pro765Gln (NM_001177431.2); short protein forms P739Q, P765Q, P799Q, P692Q, P752Q.
Identifiers: ClinVar variation 2811022 (VCV002811022.3), dbSNP rs121912637, ClinGen allele CA386648811.

ClinVar aggregate classification (germline): Uncertain significance (1 of 4 stars; one submission).

Conditions:
Charcot-Marie-Tooth disease axonal type 2C (HMSN2C). Also called: CHARCOT-MARIE-TOOTH DISEASE, AXONAL, AUTOSOMAL DOMINANT, TYPE 2C; Charcot-Marie-Tooth Neuropathy Type 2C; Charcot-Marie-Tooth Disease Type 2, TRPV4-Related (CMT2C). Identifiers: Orphanet 99937, MedGen C1853710, MONDO:0011633, OMIM 606071.

Submission:

Labcorp Genetics (formerly Invitae), Labcorp
Classification: Uncertain significance for Charcot-Marie-Tooth disease axonal type 2C. Last evaluated: 2022-10-31. Review status: criteria provided, single submitter. Criteria: Invitae Variant Classification Sherloc (09022015). Collection method: clinical testing. Allele origin: germline.
Comment: In summary, the available evidence is currently insufficient to determine the role of this variant in disease. Therefore, it has been classified as a Variant of Uncertain Significance. This variant disrupts the p.Pro799 amino acid residue in TRPV4. Other variant(s) that disrupt this residue have been determined to be pathogenic (PMID: 19232556, 20425821, 20503319, 20577006, 21658220). This suggests that this residue is clinically significant, and that variants that disrupt this residue are likely to be disease-causing. Advanced modeling of protein sequence and biophysical properties (such as structural, functional, and spatial information, amino acid conservation, physicochemical variation, residue mobility, and thermodynamic stability) has been performed at Invitae for this missense variant, however the output from this modeling did not meet the statistical confidence thresholds required to predict the impact of this variant on TRPV4 protein function. This variant has not been reported in the literature in individuals affected with TRPV4-related conditions. This variant is not present in population databases (gnomAD no frequency). This sequence change replaces proline, which is neutral and non-polar, with glutamine, which is neutral and polar, at codon 799 of the TRPV4 protein (p.Pro799Gln).

Literature cited by the submitters: PubMed 19232556; PubMed 20425821; PubMed 20503319; PubMed 20577006; PubMed 21658220.